The following is an entry in ClinVar:

ClinVar aggregate classification (germline): Likely benign. Review status: criteria provided, multiple submitters, no conflicts (2 of 4 stars). 8 submissions from 8 submitters: Likely benign (8). Last evaluated 2026-08-21.

Conditions:
Arrhythmogenic right ventricular dysplasia 5. Also called: Arrhythmogenic Right Ventricular Dysplasia/Cardiomyopathy 5; ARRHYTHMOGENIC RIGHT VENTRICULAR DYSPLASIA, FAMILIAL, 5. Identifiers: MedGen C1858379, MONDO:0011459, OMIM 604400.
TMEM43-related disorder. Also called: TMEM43-related condition.
Cardiovascular phenotype. Identifiers: MedGen CN230736.
Cardiomyopathy (CMYO). Also called: Cardiomyopathies. Identifiers: Orphanet 167848, MedGen C0878544, MONDO:0004994, HP:0001638. Inheritance: Various modes of inheritance.

Allele frequency attached by ClinVar (database versions not stated): gnomAD exomes 0.00002; ExAC 0.00003; TOPMed 0.00005.
gnomAD v4.1: 13 of 1,612,436 alleles (0.00081%); highest among the groups gnomAD compares: African/African-American, 0.0067%; no homozygotes.

Submissions (8):

PreventionGenetics, part of Exact Sciences
Classification: Likely benign for TMEM43-related condition. Last evaluated: 2026-08-21. Review status: criteria provided, single submitter. Criteria: ACMG Guidelines, 2015. Collection method: clinical testing. Allele origin: germline.
Comment: This variant is classified as likely benign based on ACMG/AMP sequence variant interpretation guidelines (Richards et al. 2015 PMID: 25741868, with internal and published modifications).

Labcorp Genetics (formerly Invitae), Labcorp
Classification: Likely benign for Arrhythmogenic right ventricular dysplasia 5. Last evaluated: 2026-01-19. Review status: criteria provided, single submitter. Criteria: Invitae Variant Classification Sherloc (09022015). Collection method: clinical testing. Allele origin: germline.

Ambry Genetics
Classification: Likely benign for Cardiovascular phenotype. Last evaluated: 2025-07-31. Review status: criteria provided, single submitter. Criteria: Ambry Variant Classification Scheme 2023. Collection method: clinical testing. Allele origin: germline.

Blueprint Genetics
Classification: Likely benign. Last evaluated: 2024-10-16. Review status: criteria provided, single submitter. Criteria: ACMG Guidelines, 2015. Collection method: clinical testing. Allele origin: germline.

All of Us Research Program, National Institutes of Health
Classification: Likely benign for Arrhythmogenic right ventricular dysplasia 5. Last evaluated: 2023-11-20. Review status: criteria provided, single submitter. Criteria: ACMG Guidelines, 2015. Collection method: clinical testing. Allele origin: germline. Inheritance: Autosomal dominant inheritance. Observed: 3 variant alleles, 3 heterozygotes.
Comment: This study involves interpretation of variants in research participants for the purpose of population health screening. Participant phenotype was not available at the time of variant classification. Additional details can be found in publication PMID: 35346344, PMCID: PMC8962531

Women's Health and Genetics/Laboratory Corporation of America, LabCorp
Classification: Likely benign. Last evaluated: 2019-12-09. Review status: criteria provided, single submitter. Criteria: LabCorp Variant Classification Summary - May 2015. Collection method: clinical testing. Allele origin: germline.
Comment: Variant summary: TMEM43 c.747C>T results in a synonymous change. 5/5 computational tools predict no significant impact on normal splicing. However, these predictions have yet to be confirmed by functional studies. The variant allele was found at a frequency of 1.6e-05 in 249834 control chromosomes (gnomAD). The available data on variant occurrences in the general population are insufficient to allow any conclusion about variant significance. To our knowledge, no occurrence of c.747C>T in individuals affected with Cardiomyopathy and no experimental evidence demonstrating its impact on protein function have been reported. A ClinVar submission (evaluation after 2014) cites the variant as likely benign. Based on the evidence outlined above, the variant was classified as likely benign.

Color Diagnostics, LLC DBA Color Health
Classification: Likely benign for Cardiomyopathy. Last evaluated: 2019-01-30. Review status: criteria provided, single submitter. Criteria: ACMG Guidelines, 2015. Collection method: clinical testing. Allele origin: germline.

GeneDx
Classification: Likely benign. Last evaluated: 2017-06-06. Review status: criteria provided, single submitter. Criteria: GeneDx Variant Classification (06012015). Collection method: clinical testing. Allele origin: germline. Affected: yes.
Comment: This variant is considered likely benign or benign based on one or more of the following criteria: it is a conservative change, it occurs at a poorly conserved position in the protein, it is predicted to be benign by multiple in silico algorithms, and/or has population frequency not consistent with disease.

NM_024334.3(TMEM43):c.747C>T (p.Ser249=)

Gene: TMEM43 (transmembrane protein 43; plus strand). Cytogenetic location: 3p25.1.
Variant type: single nucleotide variant.
Coding change: c.747C>T on transcript NM_024334.3 (MANE Select); coding-DNA position 747, C replaced by T.
Protein change: p.Ser249=; no amino-acid change (serine 249 retained).
Molecular consequence: synonymous variant.
Genome position (GRCh38, 1-based): chr3:14,135,199, C>T. VCF-style: chr3-14135199-C-T. GRCh37 (hg19) VCF-style: chr3-14176699-C-T.
Identifiers: ClinVar variation 509928 (VCV000509928.17), dbSNP rs549809535, ClinGen allele CA055231.